The following is an entry in ClinVar:

NM_001277115.2(DNAH11):c.8336T>C (p.Leu2779Pro)

Gene: DNAH11 (dynein axonemal heavy chain 11; plus strand). Cytogenetic location: 7p15.3.
Variant type: single nucleotide variant.
Coding change: c.8336T>C on transcript NM_001277115.2 (MANE Select); coding-DNA position 8336, T replaced by C.
Protein change: p.Leu2779Pro; replaces leucine 2779 with proline.
Molecular consequence: missense variant.
Genome position (GRCh38, 1-based): chr7:21,744,889, T>C. VCF-style: chr7-21744889-T-C. GRCh37 (hg19) VCF-style: chr7-21784507-T-C.
Other names: short protein forms L2779P.
Identifiers: ClinVar variation 838638 (VCV000838638.11), dbSNP rs770508431, ClinGen allele CA4181575.

ClinVar aggregate classification (germline): Conflicting classifications of pathogenicity. Review status: criteria provided, conflicting classifications (1 of 4 stars). 2 submissions from 2 submitters: Uncertain significance (1); Benign (1). Last evaluated 2025-09-04.

Conditions:
Primary ciliary dyskinesia. Also called: Ciliary dyskinesia. Identifiers: Orphanet 244, MedGen C0008780, MONDO:0016575, HP:0012265.

Allele frequency attached by ClinVar (database versions not stated): TOPMed 0.00004; ExAC 0.00005; gnomAD 0.00005; gnomAD exomes 0.00007 and 0.00010.
gnomAD v4.1: 160 of 1,610,064 alleles (0.0099%); highest among the groups gnomAD compares: Non-Finnish European, 0.013%; no homozygotes.

Submissions (2):

Labcorp Genetics (formerly Invitae), Labcorp
Classification: Benign for Primary ciliary dyskinesia. Last evaluated: 2025-09-04. Review status: criteria provided, single submitter. Criteria: Invitae Variant Classification Sherloc (09022015). Collection method: clinical testing. Allele origin: germline.

Ambry Genetics
Classification: Uncertain significance for Primary ciliary dyskinesia. Last evaluated: 2024-11-03. Review status: criteria provided, single submitter. Criteria: Ambry Variant Classification Scheme 2023. Collection method: clinical testing. Allele origin: germline.
Comment: The p.L2779P variant (also known as c.8336T>C), located in coding exon 51 of the DNAH11 gene, results from a T to C substitution at nucleotide position 8336. The leucine at codon 2779 is replaced by proline, an amino acid with similar properties. This amino acid position is conserved. In addition, this alteration is predicted to be tolerated by in silico analysis. Based on the available evidence, the clinical significance of this variant remains unclear.